The following is an entry in ClinVar:

NM_006662.3(SRCAP):c.7452TCC[1] (p.Pro2488del)

Gene: SRCAP (Snf2 related CREBBP activator protein; plus strand). Cytogenetic location: 16p11.2.
Variant type: Microsatellite.
Coding change: c.7452TCC[1] on transcript NM_006662.3 (MANE Select); one copy of the 3-base unit TCC starting at c.7452; the reference has two copies in a row; one copy, 3 bases deleted; also written c.7455_7457del.
Protein change: p.Pro2488del; deletes proline 2488.
Genome position (GRCh38, 1-based): chr16:30,737,495-30,737,497, TCC deleted; deleting any 3 consecutive bases within chr16:30,737,491-30,737,497 gives the same sequence; the position shown is the placement nearest the transcript's 3' end. VCF-style (leftmost placement, unchanged base first): chr16-30737490-TCTC-T. GRCh37 (hg19) VCF-style: chr16-30748811-TCTC-T.
Other names: c.7455_7457del (NM_006662.3); short protein forms P2488del.
Identifiers: ClinVar variation 3580213 (VCV003580213.3).

ClinVar aggregate classification (germline): Uncertain significance. Review status: criteria provided, multiple submitters, no conflicts (2 of 4 stars). 2 submissions from 2 submitters: Uncertain significance (2). Last evaluated 2024-05-12.

Conditions:
Developmental delay, hypotonia, musculoskeletal defects, and behavioral abnormalities. Identifiers: MedGen C5562012, MONDO:0859202, OMIM 619595.
Floating-Harbor syndrome (FLHS). Also called: SRCAP-Related Floating-Harbor Syndrome; Short stature with delayed bone age, expressive language delay, a triangular face with a prominent nose and deep-set eyes; Pelletier-Leisti syndrome. Identifiers: Orphanet 2044, MedGen C0729582, MONDO:0007621, OMIM 136140.

Submissions (2):

Labcorp Genetics (formerly Invitae), Labcorp
Classification: Uncertain significance. Last evaluated: 2024-05-12. Review status: criteria provided, single submitter. Criteria: Invitae Variant Classification Sherloc (09022015). Collection method: clinical testing. Allele origin: germline.
Comment: This variant, c.7455_7457del, results in the deletion of 1 amino acid(s) of the SRCAP protein (p.Pro2488del), but otherwise preserves the integrity of the reading frame. This variant is present in population databases (no rsID available, gnomAD 0.003%). This variant has not been reported in the literature in individuals affected with SRCAP-related conditions. Experimental studies and prediction algorithms are not available or were not evaluated, and the functional significance of this variant is currently unknown. In summary, the available evidence is currently insufficient to determine the role of this variant in disease. Therefore, it has been classified as a Variant of Uncertain Significance.

Fulgent Genetics
Classification: Uncertain significance for Floating-Harbor syndrome; Developmental delay, hypotonia, musculoskeletal defects, and behavioral abnormalities. Last evaluated: 2024-03-24. Review status: criteria provided, single submitter. Criteria: ACMG Guidelines, 2015. Collection method: clinical testing. Allele origin: germline.